The following is an entry in ClinVar:

NM_014714.4(IFT140):c.885C>T (p.Val295=)

Genes: IFT140 (intraflagellar transport 140; minus strand), LOC105371046 (uncharacterized LOC105371046; plus strand). Cytogenetic location: 16p13.3.
Variant type: single nucleotide variant.
Coding change: c.885C>T on transcript NM_014714.4 (MANE Select); coding-DNA position 885, C replaced by T.
Protein change: p.Val295=; no amino-acid change (valine 295 retained).
Molecular consequence: synonymous variant.
Genome position (GRCh38, 1-based): chr16:1,587,950, G>A on the plus strand (C>T on the coding strand, the complement: IFT140 is on the minus strand). VCF-style: chr16-1587950-G-A. GRCh37 (hg19) VCF-style: chr16-1637951-G-A.
Other names: c.885C>T (NM_014714.3).
Identifiers: ClinVar variation 1647959 (VCV001647959.10), dbSNP rs775444392, ClinGen allele CA7814520.

ClinVar aggregate classification (germline): Likely benign. Review status: criteria provided, multiple submitters, no conflicts (2 of 4 stars). 3 submissions from 3 submitters: Likely benign (3). Last evaluated 2026-04-02.

Conditions:
Saldino-Mainzer syndrome (SRTD9). Also called: Renal dysplasia, retinal pigmentary dystrophy, cerebellar ataxia and skeletal dysplasia; short-rib thoracic dysplasia 9 with or without polydactyly; SHORT-RIB THORACIC DYSPLASIA 9 WITHOUT POLYDACTYLY; CONORENAL SYNDROME. Identifiers: Orphanet 140969, MedGen C1849437, MONDO:0009964, OMIM 266920.
IFT140-related disorder. Also called: IFT140-related condition.

Allele frequency attached by ClinVar (database versions not stated): gnomAD 0.00001 and 0.00002; gnomAD exomes 0.00003; ExAC 0.00004.
gnomAD v4.1: 26 of 1,612,418 alleles (0.0016%); highest among the groups gnomAD compares: South Asian, 0.017%; no homozygotes.

Submissions (3):

PreventionGenetics, part of Exact Sciences
Classification: Likely benign for IFT140-related condition. Last evaluated: 2026-04-02. Review status: criteria provided, single submitter. Criteria: ACMG Guidelines, 2015. Collection method: clinical testing. Allele origin: germline.
Comment: This variant is classified as likely benign based on ACMG/AMP sequence variant interpretation guidelines (Richards et al. 2015 PMID: 25741868, with internal and published modifications).

Labcorp Genetics (formerly Invitae), Labcorp
Classification: Likely benign for Saldino-Mainzer syndrome. Last evaluated: 2025-02-19. Review status: criteria provided, single submitter. Criteria: Invitae Variant Classification Sherloc (09022015). Collection method: clinical testing. Allele origin: germline.

Blueprint Genetics
Classification: Likely benign. Last evaluated: 2023-02-27. Review status: criteria provided, single submitter. Criteria: ACMG Guidelines, 2015. Collection method: clinical testing. Allele origin: germline.